The following is an entry in ClinVar:

ClinVar aggregate classification (germline): Uncertain significance (1 of 4 stars; one submission).

Conditions:
Myofibrillar myopathy 3 (MFM3). Also called: Muscular dystrophy, proximal, type 1A; Autosomal dominant spheroid body myopathy. Identifiers: Orphanet 266, Orphanet 268129, MedGen C3714934, MONDO:0012215, OMIM 609200.

Submission:

Labcorp Genetics (formerly Invitae), Labcorp
Classification: Uncertain significance for Myofibrillar myopathy 3. Last evaluated: 2022-11-01. Review status: criteria provided, single submitter. Criteria: Invitae Variant Classification Sherloc (09022015). Collection method: clinical testing. Allele origin: germline.
Comment: In summary, the available evidence is currently insufficient to determine the role of this variant in disease. Therefore, it has been classified as a Variant of Uncertain Significance. Advanced modeling of protein sequence and biophysical properties (such as structural, functional, and spatial information, amino acid conservation, physicochemical variation, residue mobility, and thermodynamic stability) performed at Invitae indicates that this missense variant is not expected to disrupt MYOT protein function. ClinVar contains an entry for this variant (Variation ID: 1389760). This variant has not been reported in the literature in individuals affected with MYOT-related conditions. This variant is not present in population databases (gnomAD no frequency). This sequence change replaces glycine, which is neutral and non-polar, with alanine, which is neutral and non-polar, at codon 319 of the MYOT protein (p.Gly319Ala).

NM_006790.3(MYOT):c.956G>C (p.Gly319Ala)

Genes: PKD2L2-DT (PKD2L2 divergent transcript; minus strand), MYOT (myotilin; plus strand). Cytogenetic location: 5q31.2.
Variant type: single nucleotide variant.
Coding change: c.956G>C on transcript NM_006790.3 (MANE Select); coding-DNA position 956, G replaced by C.
Protein change: p.Gly319Ala; replaces glycine 319 with alanine.
Molecular consequence: missense variant.
Genome position (GRCh38, 1-based): chr5:137,883,523, G>C. VCF-style: chr5-137883523-G-C. GRCh37 (hg19) VCF-style: chr5-137219212-G-C.
Other names: c.404G>C, p.Gly135Ala (NM_001135940.2); c.611G>C, p.Gly204Ala (NM_001300911.2); short protein forms G204A, G319A, G135A.
Identifiers: ClinVar variation 1389760 (VCV001389760.8), dbSNP rs1330407694, ClinGen allele CA361055801.
Genomic context (GRCh38, chr5:137,883,523, plus strand): 5'-TAGTGTCTGAGAAGGGTCTTCATTCACTCATCTTTGAAGTAGTCAGAGCTTCAGATGCAG[G>C]GGCTTATGCATGTGTTGCCAAGAATAGAGCAGGAGAAGCCACCTTCACTGTGCAGCTGGA-3'
Protein context (NP_006781.1, residues 309-329): IFEVVRASDA[Gly319Ala]AYACVAKNRA